The following is an entry in ClinVar:

NM_000070.3(CAPN3):c.2152C>T (p.His718Tyr)

Gene: CAPN3 (calpain 3; plus strand). Cytogenetic location: 15q15.1.
Variant type: single nucleotide variant.
Coding change: c.2152C>T on transcript NM_000070.3 (MANE Select); coding-DNA position 2152, C replaced by T.
Protein change: p.His718Tyr; replaces histidine 718 with tyrosine.
Molecular consequence: missense variant.
Genome position (GRCh38, 1-based): chr15:42,410,464, C>T. VCF-style: chr15-42410464-C-T. GRCh37 (hg19) VCF-style: chr15-42702662-C-T.
Other names: c.2134C>T, p.His712Tyr (NM_024344.2); c.1876C>T, p.His626Tyr (NM_173087.2); c.616C>T, p.His206Tyr (NM_173088.2); c.157C>T, p.His53Tyr (NM_173089.2, NM_173090.2); c.*1250C>T (NM_212464.2); c.*1827C>T (NM_212467.2); short protein forms H626Y, H53Y, H206Y, H712Y, H718Y.
Identifiers: ClinVar variation 2263783 (VCV002263783.4), dbSNP rs1595846976, ClinGen allele CA392001677.
Genomic context (GRCh38, chr15:42,410,464, plus strand): 5'-GTAGCCCTGACCTCCCTCCTCCAGACAGATGGCTCTGGAAAGCTCAACCTGCAGGAGTTC[C>T]ACCACCTCTGGAACAAGATTAAGGCCTGGCAGGTGGGAAGAGAAAATGAAGCGTGGGAGT-3'
Protein context (NP_000061.1, residues 708-728): GSGKLNLQEF[His718Tyr]HLWNKIKAWQ

ClinVar aggregate classification (germline): Uncertain significance. Review status: criteria provided, multiple submitters, no conflicts (2 of 4 stars). 3 submissions from 3 submitters: Uncertain significance (3). Last evaluated 2025-06-24.

Conditions:
Inborn genetic diseases. Identifiers: MedGen C0950123, MeSH D030342.
Autosomal recessive limb-girdle muscular dystrophy type 2A (LGMDR1). Also called: Muscular dystrophy, limb-girdle, type 2A, Amish; LEYDEN-MOEBIUS MUSCULAR DYSTROPHY; MUSCULAR DYSTROPHY, PELVOFEMORAL; Limb-girdle muscular dystrophy, type 2A; Calpainopathy. Identifiers: Orphanet 267, MedGen C1869123, MONDO:0009675, OMIM 253600. Disease mechanism: loss of function.

Allele frequency attached by ClinVar (database versions not stated): gnomAD exomes below 0.00001; gnomAD 0.00001; TOPMed 0.00001.
gnomAD v4.1: 4 of 1,614,010 alleles (0.00025%); highest among the groups gnomAD compares: Admixed American, 0.0017%; no homozygotes.

Submissions (3):

Labcorp Genetics (formerly Invitae), Labcorp
Classification: Uncertain significance for Autosomal recessive limb-girdle muscular dystrophy type 2A. Last evaluated: 2025-06-24. Review status: criteria provided, single submitter. Criteria: Invitae Variant Classification Sherloc (09022015). Collection method: clinical testing. Allele origin: germline.
Comment: This sequence change replaces histidine, which is basic and polar, with tyrosine, which is neutral and polar, at codon 718 of the CAPN3 protein (p.His718Tyr). This variant is not present in population databases (gnomAD no frequency). This variant has not been reported in the literature in individuals affected with CAPN3-related conditions. ClinVar contains an entry for this variant (Variation ID: 2263783). Invitae Evidence Modeling of protein sequence and biophysical properties (such as structural, functional, and spatial information, amino acid conservation, physicochemical variation, residue mobility, and thermodynamic stability) indicates that this missense variant is not expected to disrupt CAPN3 protein function with a negative predictive value of 80%. In summary, the available evidence is currently insufficient to determine the role of this variant in disease. Therefore, it has been classified as a Variant of Uncertain Significance.

GeneDx
Classification: Uncertain significance. Last evaluated: 2023-10-13. Review status: criteria provided, single submitter. Criteria: GeneDx Variant Classification Process June 2021. Collection method: clinical testing. Allele origin: germline. Affected: yes.
Comment: Not observed at significant frequency in large population cohorts (gnomAD); In silico analysis supports that this missense variant has a deleterious effect on protein structure/function; Has not been previously published as pathogenic or benign to our knowledge

Ambry Genetics
Classification: Uncertain significance for Inborn genetic diseases. Last evaluated: 2021-12-03. Review status: criteria provided, single submitter. Criteria: Ambry Variant Classification Scheme 2023. Collection method: clinical testing. Allele origin: germline.